The following is an entry in ClinVar:

NM_001851.6(COL9A1):c.1130G>A (p.Arg377His)

Gene: COL9A1 (collagen type IX alpha 1 chain; minus strand). Cytogenetic location: 6q13.
Variant type: single nucleotide variant.
Coding change: c.1130G>A on transcript NM_001851.6 (MANE Select); coding-DNA position 1130, G replaced by A.
Protein change: p.Arg377His; replaces arginine 377 with histidine.
Molecular consequence: missense variant. On other transcripts: non-coding transcript variant (1).
Genome position (GRCh38, 1-based): chr6:70,271,668, C>T on the plus strand (G>A on the coding strand, the complement: COL9A1 is on the minus strand). VCF-style: chr6-70271668-C-T. GRCh37 (hg19) VCF-style: chr6-70981371-C-T.
Other names: c.401G>A, p.Arg134His (NM_001377289.1, NM_001377290.1, NM_078485.4); short protein forms R377H, R134H.
Identifiers: ClinVar variation 499911 (VCV000499911.18), dbSNP rs142328549, ClinGen allele CA3882399.

ClinVar aggregate classification (germline): Conflicting classifications of pathogenicity. Review status: criteria provided, conflicting classifications (1 of 4 stars). 4 submissions from 4 submitters: Uncertain significance (2); Likely benign (2). Last evaluated 2026-01-29.

Allele frequency attached by ClinVar (database versions not stated): ExAC 0.00023; gnomAD exomes 0.00023; 1000 Genomes Project 30x 0.00031; TOPMed 0.00032; gnomAD 0.00036 and 0.00039; ESP Exome Variant Server 0.00038; 1000 Genomes Project 0.00040.
gnomAD v4.1: 185 of 1,613,832 alleles (0.011%); highest among the groups gnomAD compares: African/African-American, 0.085%; no homozygotes.

Submissions (4):

Labcorp Genetics (formerly Invitae), Labcorp
Classification: Likely benign. Last evaluated: 2026-01-29. Review status: criteria provided, single submitter. Criteria: Invitae Variant Classification Sherloc (09022015). Collection method: clinical testing. Allele origin: germline.

GeneDx
Classification: Uncertain significance. Last evaluated: 2025-03-11. Review status: criteria provided, single submitter. Criteria: GeneDx Variant Classification Process June 2021. Collection method: clinical testing. Allele origin: germline. Affected: yes.
Comment: Has not been previously published as pathogenic or benign to our knowledge; In silico analysis indicates that this missense variant does not alter protein structure/function

Blueprint Genetics
Classification: Likely benign. Last evaluated: 2024-01-30. Review status: criteria provided, single submitter. Criteria: ACMG Guidelines, 2015. Collection method: clinical testing. Allele origin: germline.

Eurofins Ntd Llc (ga)
Classification: Uncertain significance. Last evaluated: 2017-01-26. Review status: criteria provided, single submitter. Criteria: EGL Classification Definitions 2015. Collection method: clinical testing. Allele origin: germline. Observed: 1 variant allele, 1 heterozygote.